The following is an entry in ClinVar:

NM_001854.4(COL11A1):c.3851C>A (p.Ala1284Asp)

Gene: COL11A1 (collagen type XI alpha 1 chain; minus strand). Cytogenetic location: 1p21.1.
Variant type: single nucleotide variant.
Coding change: c.3851C>A on transcript NM_001854.4 (MANE Select); coding-DNA position 3851, C replaced by A.
Protein change: p.Ala1284Asp; replaces alanine 1284 with aspartic acid.
Molecular consequence: missense variant. On other transcripts: non-coding transcript variant (1).
Genome position (GRCh38, 1-based): chr1:102,914,777, G>T on the plus strand (C>A on the coding strand, the complement: COL11A1 is on the minus strand). VCF-style: chr1-102914777-G-T. GRCh37 (hg19) VCF-style: chr1-103380333-G-T.
Other names: c.3734C>A, p.Ala1245Asp (NM_001190709.2); c.3887C>A, p.Ala1296Asp (NM_080629.3); c.3503C>A, p.Ala1168Asp (NM_080630.4); short protein forms A1168D, A1284D, A1296D, A1245D.
Identifiers: ClinVar variation 3692556 (VCV003692556.2).

ClinVar aggregate classification (germline): Uncertain significance (1 of 4 stars; one submission).

gnomAD v4.1: 6 of 1,611,904 alleles (0.00037%); highest among the groups gnomAD compares: Non-Finnish European, 0.00042%; no homozygotes.

Submission:

Labcorp Genetics (formerly Invitae), Labcorp
Classification: Uncertain significance. Last evaluated: 2024-10-27. Review status: criteria provided, single submitter. Criteria: Invitae Variant Classification Sherloc (09022015). Collection method: clinical testing. Allele origin: germline.
Comment: This sequence change replaces alanine, which is neutral and non-polar, with aspartic acid, which is acidic and polar, at codon 1284 of the COL11A1 protein (p.Ala1284Asp). This variant is not present in population databases (gnomAD no frequency). This variant has not been reported in the literature in individuals affected with COL11A1-related conditions. Invitae Evidence Modeling of protein sequence and biophysical properties (such as structural, functional, and spatial information, amino acid conservation, physicochemical variation, residue mobility, and thermodynamic stability) indicates that this missense variant is not expected to disrupt COL11A1 protein function with a negative predictive value of 80%. In summary, the available evidence is currently insufficient to determine the role of this variant in disease. Therefore, it has been classified as a Variant of Uncertain Significance.